The following is an entry in ClinVar:

ClinVar aggregate classification (germline): Uncertain significance (1 of 4 stars; one submission).

Conditions:
Hereditary cancer-predisposing syndrome. Also called: Neoplastic Syndromes, Hereditary; Tumor predisposition; Hereditary Cancer Syndrome; Hereditary neoplastic syndrome. Identifiers: Orphanet 140162, MedGen C0027672, MeSH D009386, MONDO:0015356.

Submission:

Ambry Genetics
Classification: Uncertain significance for Hereditary cancer-predisposing syndrome. Last evaluated: 2022-03-16. Review status: criteria provided, single submitter. Criteria: Ambry Variant Classification Scheme 2023. Collection method: clinical testing. Allele origin: germline.
Comment: The p.K528R variant (also known as c.1583A>G), located in coding exon 10 of the BRIP1 gene, results from an A to G substitution at nucleotide position 1583. The lysine at codon 528 is replaced by arginine, an amino acid with highly similar properties. This amino acid position is conserved. In addition, the in silico prediction for this alteration is inconclusive. Since supporting evidence is limited at this time, the clinical significance of this alteration remains unclear.

NM_032043.3(BRIP1):c.1583A>G (p.Lys528Arg)

Gene: BRIP1 (BRCA1 interacting DNA helicase 1; minus strand). Cytogenetic location: 17q23.2.
Variant type: single nucleotide variant.
Coding change: c.1583A>G on transcript NM_032043.3 (MANE Select); coding-DNA position 1583, A replaced by G.
Protein change: p.Lys528Arg; replaces lysine 528 with arginine.
Molecular consequence: missense variant.
Genome position (GRCh38, 1-based): chr17:61,784,315, T>C on the plus strand (A>G on the coding strand, the complement: BRIP1 is on the minus strand). VCF-style: chr17-61784315-T-C. GRCh37 (hg19) VCF-style: chr17-59861676-T-C.
Other names: short protein forms K528R.
Identifiers: ClinVar variation 1775750 (VCV001775750.2), dbSNP rs2145136722, ClinGen allele CA400481058.
Genomic context (GRCh38, chr17:61,784,315, plus strand): 5'-GTTATCTTCACTTACCTGCTATTTTGCCTAAAAAGATAGTCAAGTACCATAAAAAGTCCT[T>C]TAAGCATTATTTGAGTTGATGCACTAATAACAGGTACTTCTCTTGCCTCCTCTTTACCAT-3'
Protein context (NP_114432.2, residues 518-538): VISASTQIML[Lys528Arg]GLFMVLDYLF